The following is an entry in ClinVar:

ClinVar aggregate classification (germline): Uncertain significance (1 of 4 stars; one submission).

gnomAD v4.1: 4 of 1,613,816 alleles (0.00025%); highest among the groups gnomAD compares: Non-Finnish European, 0.00025%; no homozygotes.

Submission:

GeneDx
Classification: Uncertain significance. Last evaluated: 2025-08-06. Review status: criteria provided, single submitter. Criteria: GeneDx Variant Classification Process June 2021. Collection method: clinical testing. Allele origin: germline. Affected: yes.
Comment: Not observed at significant frequency in large population cohorts (gnomAD); In silico analysis suggests that this missense variant does not alter protein structure/function; Has not been previously published as pathogenic or benign to our knowledge

NM_005670.4(EPM2A):c.361G>T (p.Val121Leu)

Gene: EPM2A (EPM2A glucan phosphatase, laforin; minus strand). Cytogenetic location: 6q24.3.
Variant type: single nucleotide variant.
Coding change: c.361G>T on transcript NM_005670.4 (MANE Select); coding-DNA position 361, G replaced by T.
Protein change: p.Val121Leu; replaces valine 121 with leucine.
Molecular consequence: missense variant. On other transcripts: 5 prime UTR variant (5), non-coding transcript variant (1).
Genome position (GRCh38, 1-based): chr6:145,686,237, C>A on the plus strand (G>T on the coding strand, the complement: EPM2A is on the minus strand). VCF-style: chr6-145686237-C-A. GRCh37 (hg19) VCF-style: chr6-146007373-C-A.
Other names: c.361G>T, p.Val121Leu (NM_001018041.2, NM_001360057.2, NM_001368130.1); c.-54G>T (NM_001360064.2, NM_001360071.2, NM_001368131.1); c.-263G>T (NM_001368129.2, NM_001368132.1); short protein forms V121L.
Identifiers: ClinVar variation 4755959 (VCV004755959.1).